The following is an entry in ClinVar:

NM_004304.5(ALK):c.2656A>G (p.Asn886Asp)

Gene: ALK (ALK receptor tyrosine kinase; minus strand). Cytogenetic location: 2p23.2.
Variant type: single nucleotide variant.
Coding change: c.2656A>G on transcript NM_004304.5 (MANE Select); coding-DNA position 2656, A replaced by G.
Protein change: p.Asn886Asp; replaces asparagine 886 with aspartic acid.
Molecular consequence: missense variant.
Genome position (GRCh38, 1-based): chr2:29,229,043, T>C on the plus strand (A>G on the coding strand, the complement: ALK is on the minus strand). VCF-style: chr2-29229043-T-C. GRCh37 (hg19) VCF-style: chr2-29451909-T-C.
Other names: c.2656A>G (NM_004304.4); short protein forms N886D.
Identifiers: ClinVar variation 1468173 (VCV001468173.9), dbSNP rs2148180711, ClinGen allele CA346470048.

ClinVar aggregate classification (germline): Uncertain significance. Review status: criteria provided, multiple submitters, no conflicts (2 of 4 stars). 2 submissions from 2 submitters: Uncertain significance (2). Last evaluated 2024-01-19.

Conditions:
Neuroblastoma, susceptibility to, 3. Also called: ALK-Related Neuroblastic Tumor Susceptibility. Identifiers: Orphanet 635, MedGen C2751681, MONDO:0013083, OMIM 613014.
Hereditary cancer-predisposing syndrome. Also called: Neoplastic Syndromes, Hereditary; Hereditary Cancer Syndrome; Tumor predisposition; Hereditary neoplastic syndrome. Identifiers: Orphanet 140162, MedGen C0027672, MeSH D009386, MONDO:0015356.

Submissions (2):

Ambry Genetics
Classification: Uncertain significance for Hereditary cancer-predisposing syndrome. Last evaluated: 2024-01-19. Review status: criteria provided, single submitter. Criteria: Ambry Variant Classification Scheme 2023. Collection method: clinical testing. Allele origin: germline.
Comment: The p.N886D variant (also known as c.2656A>G), located in coding exon 16 of the ALK gene, results from an A to G substitution at nucleotide position 2656. The asparagine at codon 886 is replaced by aspartic acid, an amino acid with highly similar properties. This amino acid position is conserved. In addition, this alteration is predicted to be tolerated by in silico analysis. Based on the available evidence, the clinical significance of this alteration remains unclear.

Labcorp Genetics (formerly Invitae), Labcorp
Classification: Uncertain significance for Neuroblastoma, susceptibility to, 3. Last evaluated: 2023-11-17. Review status: criteria provided, single submitter. Criteria: Invitae Variant Classification Sherloc (09022015). Collection method: clinical testing. Allele origin: germline.
Comment: This sequence change replaces asparagine, which is neutral and polar, with aspartic acid, which is acidic and polar, at codon 886 of the ALK protein (p.Asn886Asp). This variant is not present in population databases (gnomAD no frequency). This variant has not been reported in the literature in individuals affected with ALK-related conditions. ClinVar contains an entry for this variant (Variation ID: 1468173). An algorithm developed to predict the effect of missense changes on protein structure and function (PolyPhen-2) suggests that this variant is likely to be disruptive. In summary, the available evidence is currently insufficient to determine the role of this variant in disease. Therefore, it has been classified as a Variant of Uncertain Significance.